The following is an entry in ClinVar:

NM_003721.4(RFXANK):c.367C>T (p.Arg123Cys)

Gene: RFXANK (regulatory factor X associated ankyrin containing protein; plus strand). Cytogenetic location: 19p13.11.
Variant type: single nucleotide variant.
Coding change: c.367C>T on transcript NM_003721.4 (MANE Select); coding-DNA position 367, C replaced by T.
Protein change: p.Arg123Cys; replaces arginine 123 with cysteine.
Molecular consequence: missense variant.
Genome position (GRCh38, 1-based): chr19:19,197,550, C>T. VCF-style: chr19-19197550-C-T. GRCh37 (hg19) VCF-style: chr19-19308359-C-T.
Other names: c.301C>T, p.Arg101Cys (NM_001278727.2, NM_001370234.1); c.298C>T, p.Arg100Cys (NM_001278728.2, NM_134440.3); c.367C>T, p.Arg123Cys (NM_001370233.1, NM_001370238.1); c.364C>T, p.Arg122Cys (NM_001370235.1, NM_001370236.1, NM_001370237.1); short protein forms R100C, R123C, R122C, R101C.
Identifiers: ClinVar variation 1378370 (VCV001378370.3), dbSNP rs775003911, ClinGen allele CA9322721.

ClinVar aggregate classification (germline): Uncertain significance (1 of 4 stars; one submission).

Conditions:
MHC class II deficiency. Also called: BLS, TYPE II; Bare lymphocyte syndrome 2. Identifiers: Orphanet 572, MedGen C5447452, MONDO:0008855.

Allele frequency attached by ClinVar (database versions not stated): gnomAD 0.00001; ExAC 0.00002; gnomAD exomes 0.00002; TOPMed 0.00002.
gnomAD v4.1: 15 of 1,613,790 alleles (0.00093%); highest among the groups gnomAD compares: Middle Eastern, 0.016%; no homozygotes.

Submission:

Labcorp Genetics (formerly Invitae), Labcorp
Classification: Uncertain significance for MHC class II deficiency. Last evaluated: 2021-07-30. Review status: criteria provided, single submitter. Criteria: Invitae Variant Classification Sherloc (09022015). Collection method: clinical testing. Allele origin: germline.
Comment: This sequence change replaces arginine with cysteine at codon 123 of the RFXANK protein (p.Arg123Cys). The arginine residue is highly conserved and there is a large physicochemical difference between arginine and cysteine. This variant is present in population databases (rs775003911, ExAC 0.009%). This variant has not been reported in the literature in individuals affected with RFXANK-related conditions. Algorithms developed to predict the effect of missense changes on protein structure and function (SIFT, PolyPhen-2, Align-GVGD) all suggest that this variant is likely to be disruptive. Algorithms developed to predict the effect of sequence changes on RNA splicing suggest that this variant may create or strengthen a splice site. In summary, the available evidence is currently insufficient to determine the role of this variant in disease. Therefore, it has been classified as a Variant of Uncertain Significance.